The following is an entry in ClinVar:

NM_006785.4(MALT1):c.1310A>G (p.Glu437Gly)

Gene: MALT1 (MALT1 paracaspase; plus strand). Cytogenetic location: 18q21.32.
Variant type: single nucleotide variant.
Coding change: c.1310A>G on transcript NM_006785.4 (MANE Select); coding-DNA position 1310, A replaced by G.
Protein change: p.Glu437Gly; replaces glutamic acid 437 with glycine.
Molecular consequence: missense variant.
Genome position (GRCh38, 1-based): chr18:58,733,484, A>G. VCF-style: chr18-58733484-A-G. GRCh37 (hg19) VCF-style: chr18-56400716-A-G.
Other names: c.1277A>G, p.Glu426Gly (NM_173844.3); short protein forms E437G, E426G.
Identifiers: ClinVar variation 2119955 (VCV002119955.3), dbSNP rs2055182387, ClinGen allele CA402574647.

ClinVar aggregate classification (germline): Uncertain significance (1 of 4 stars; one submission).

Conditions:
Combined immunodeficiency due to MALT1 deficiency. Also called: Immunodeficiency 12. Identifiers: Orphanet 397964, MedGen C3809583, MONDO:0014197, OMIM 615468.

Allele frequency attached by ClinVar (database versions not stated): TOPMed below 0.00001.

Submission:

Labcorp Genetics (formerly Invitae), Labcorp
Classification: Uncertain significance for Combined immunodeficiency due to MALT1 deficiency. Last evaluated: 2022-03-31. Review status: criteria provided, single submitter. Criteria: Invitae Variant Classification Sherloc (09022015). Collection method: clinical testing. Allele origin: germline.
Comment: In summary, the available evidence is currently insufficient to determine the role of this variant in disease. Therefore, it has been classified as a Variant of Uncertain Significance. Algorithms developed to predict the effect of missense changes on protein structure and function (SIFT, PolyPhen-2, Align-GVGD) all suggest that this variant is likely to be tolerated. This variant has not been reported in the literature in individuals affected with MALT1-related conditions. This variant is not present in population databases (gnomAD no frequency). This sequence change replaces glutamic acid, which is acidic and polar, with glycine, which is neutral and non-polar, at codon 437 of the MALT1 protein (p.Glu437Gly).